The following is an entry in ClinVar:

NM_001457.4(FLNB):c.7411G>T (p.Val2471Leu)

Genes: FLNB (filamin B; plus strand), FLNB-AS1 (FLNB antisense RNA 1; minus strand). Cytogenetic location: 3p14.3.
Variant type: single nucleotide variant.
Coding change: c.7411G>T on transcript NM_001457.4 (MANE Select); coding-DNA position 7411, G replaced by T.
Protein change: p.Val2471Leu; replaces valine 2471 with leucine.
Molecular consequence: missense variant.
Genome position (GRCh38, 1-based): chr3:58,168,652, G>T. VCF-style: chr3-58168652-G-T. GRCh37 (hg19) VCF-style: chr3-58154379-G-T.
Other names: c.7504G>T, p.Val2502Leu (NM_001164317.2); c.7378G>T, p.Val2460Leu (NM_001164318.2); c.7339G>T, p.Val2447Leu (NM_001164319.2); short protein forms V2447L, V2460L, V2471L, V2502L.
Identifiers: ClinVar variation 3617286 (VCV003617286.2).

ClinVar aggregate classification (germline): Uncertain significance (1 of 4 stars; one submission).

gnomAD v4.1: 11 of 1,612,836 alleles (0.00068%); highest among the groups gnomAD compares: East Asian, 0.025%; no homozygotes.

Submission:

Labcorp Genetics (formerly Invitae), Labcorp
Classification: Uncertain significance. Last evaluated: 2024-12-12. Review status: criteria provided, single submitter. Criteria: Invitae Variant Classification Sherloc (09022015). Collection method: clinical testing. Allele origin: germline.
Comment: This sequence change replaces valine, which is neutral and non-polar, with leucine, which is neutral and non-polar, at codon 2471 of the FLNB protein (p.Val2471Leu). This variant is not present in population databases (gnomAD no frequency). This variant has not been reported in the literature in individuals affected with FLNB-related conditions. Invitae Evidence Modeling of protein sequence and biophysical properties (such as structural, functional, and spatial information, amino acid conservation, physicochemical variation, residue mobility, and thermodynamic stability) indicates that this missense variant is not expected to disrupt FLNB protein function with a negative predictive value of 80%. In summary, the available evidence is currently insufficient to determine the role of this variant in disease. Therefore, it has been classified as a Variant of Uncertain Significance.